The following is an entry in ClinVar:

NM_000179.3(MSH6):c.1824T>C (p.Ile608=)

Gene: MSH6 (mutS homolog 6; plus strand). Cytogenetic location: 2p16.3.
Variant type: single nucleotide variant.
Coding change: c.1824T>C on transcript NM_000179.3 (MANE Select); coding-DNA position 1824, T replaced by C.
Protein change: p.Ile608=; no amino-acid change (isoleucine 608 retained).
Molecular consequence: synonymous variant.
Genome position (GRCh38, 1-based): chr2:47,799,807, T>C. VCF-style: chr2-47799807-T-C. GRCh37 (hg19) VCF-style: chr2-48026946-T-C.
Other names: c.1434T>C, p.Ile478= (NM_001281492.2); c.918T>C, p.Ile306= (NM_001281493.2, NM_001281494.2).
Identifiers: ClinVar variation 628330 (VCV000628330.14), dbSNP rs1558663118, ClinGen allele CA426121189.
Genomic context (GRCh38, chr2:47,799,807, plus strand): 5'-CTATCCCCCAGTACAAGTTTTATTTGAAAAAGGAAATCTCTCAAAGGAAACTAAAACAAT[T>C]CTAAAGAGTTCATTGTCCTGTTCTCTTCAGGAAGGTCTGATACCCGGCTCCCAGTTTTGG-3'
Protein context (NP_000170.1, residues 598-618): KGNLSKETKT[Ile608=]LKSSLSCSLQ

ClinVar aggregate classification (germline): Benign/Likely benign. Review status: criteria provided, multiple submitters, no conflicts (2 of 4 stars). 5 submissions from 5 submitters: Benign (1); Likely benign (4). Last evaluated 2024-12-27.

Conditions:
Lynch syndrome 5 (LYNCH5). Also called: Colorectal cancer, hereditary nonpolyposis, type 5; Hereditary non-polyposis colorectal cancer, type 5. Identifiers: Orphanet 144, MedGen C1833477, MONDO:0013710, OMIM 614350. Disease mechanism: loss of function.
Hereditary nonpolyposis colorectal neoplasms. Identifiers: MedGen C0009405, MeSH D003123.
Hereditary cancer-predisposing syndrome. Also called: Neoplastic Syndromes, Hereditary; Tumor predisposition; Hereditary neoplastic syndrome; Hereditary Cancer Syndrome. Identifiers: Orphanet 140162, MedGen C0027672, MeSH D009386, MONDO:0015356.
Lynch syndrome. Identifiers: Orphanet 144, MedGen C4552100, MONDO:0005835. Disease mechanism: loss of function.

Submissions (5):

Myriad Genetics, Inc.
Classification: Benign for Lynch syndrome 5. Last evaluated: 2024-12-27. Review status: criteria provided, single submitter. Criteria: Myriad Autosomal Dominant, Autosomal Recessive and X-Linked Classification Criteria (2023). Collection method: clinical testing. Allele origin: unknown.
Comment: This variant is considered benign. This variant is a silent/synonymous amino acid change and it is not expected to impact splicing.

Labcorp Genetics (formerly Invitae), Labcorp
Classification: Likely benign for Hereditary nonpolyposis colorectal neoplasms. Last evaluated: 2024-10-14. Review status: criteria provided, single submitter. Criteria: Invitae Variant Classification Sherloc (09022015). Collection method: clinical testing. Allele origin: germline.

Ambry Genetics
Classification: Likely benign for Hereditary cancer-predisposing syndrome. Last evaluated: 2023-05-28. Review status: criteria provided, single submitter. Criteria: Ambry Variant Classification Scheme 2023. Collection method: clinical testing. Allele origin: germline.

All of Us Research Program, National Institutes of Health
Classification: Likely benign for Lynch syndrome. Last evaluated: 2022-12-27. Review status: criteria provided, single submitter. Criteria: ACMG Guidelines, 2015. Collection method: clinical testing. Allele origin: germline. Inheritance: Autosomal dominant inheritance. Observed: 1 variant allele, 1 heterozygote.
Comment: This study involves interpretation of variants in research participants for the purpose of population health screening. Participant phenotype was not available at the time of variant classification. Additional details can be found in publication PMID: 35346344, PMCID: PMC8962531

Color Diagnostics, LLC DBA Color Health
Classification: Likely benign for Hereditary cancer-predisposing syndrome. Last evaluated: 2018-05-11. Review status: criteria provided, single submitter. Criteria: ACMG Guidelines, 2015. Collection method: clinical testing. Allele origin: germline.